The following is an entry in ClinVar:

NM_001083961.2(WDR62):c.2529C>T (p.Asp843=)

Gene: WDR62 (WD repeat domain 62; plus strand). Cytogenetic location: 19q13.12.
Variant type: single nucleotide variant.
Coding change: c.2529C>T on transcript NM_001083961.2 (MANE Select); coding-DNA position 2529, C replaced by T.
Protein change: p.Asp843=; no amino-acid change (aspartic acid 843 retained).
Molecular consequence: synonymous variant.
Genome position (GRCh38, 1-based): chr19:36,099,407, C>T. VCF-style: chr19-36099407-C-T. GRCh37 (hg19) VCF-style: chr19-36590309-C-T.
Other names: c.2529C>T, p.Asp843= (NM_173636.5).
Identifiers: ClinVar variation 160268 (VCV000160268.48), dbSNP rs144697999, ClinGen allele CA272769.

ClinVar aggregate classification (germline): Conflicting classifications of pathogenicity. Review status: criteria provided, conflicting classifications (1 of 4 stars). 7 submissions from 7 submitters: Uncertain significance (1); Benign (2); Likely benign (4). Last evaluated 2026-01-21.

Conditions:
Microcephaly 2, primary, autosomal recessive, with or without cortical malformations. Also called: WDR62 Primary Microcephaly; MICROCEPHALY 2, PRIMARY, AUTOSOMAL RECESSIVE, WITH CORTICAL MALFORMATIONS. Identifiers: Orphanet 2512, MedGen C1858535, MONDO:0011435, OMIM 604317.

Allele frequency attached by ClinVar (database versions not stated): 1000 Genomes Project 30x 0.00031; 1000 Genomes Project 0.00040; ESP Exome Variant Server 0.00046; gnomAD exomes 0.00058 and 0.00105; gnomAD 0.00072 and 0.00073; TOPMed 0.00093; ExAC 0.00104.
gnomAD v4.1: 1,012 of 1,613,460 alleles (0.063%); highest among the groups gnomAD compares: Middle Eastern, 0.83%; 3 homozygotes.

Submissions (7):

Labcorp Genetics (formerly Invitae), Labcorp
Classification: Benign. Last evaluated: 2026-01-21. Review status: criteria provided, single submitter. Criteria: Invitae Variant Classification Sherloc (09022015). Collection method: clinical testing. Allele origin: germline.

CeGaT Center for Human Genetics Tuebingen
Classification: Likely benign. Last evaluated: 2026-01-01. Review status: criteria provided, single submitter. Criteria: CeGaT Center For Human Genetics Tuebingen Variant Classification Criteria Version 2. Collection method: clinical testing. Allele origin: germline. Affected: yes. Observed: 5 variant alleles.
Comment: WDR62: BP4, BP7

Blueprint Genetics
Classification: Likely benign. Last evaluated: 2024-10-07. Review status: criteria provided, single submitter. Criteria: ACMG Guidelines, 2015. Collection method: clinical testing. Allele origin: germline.

GeneDx
Classification: Likely benign. Last evaluated: 2020-10-14. Review status: criteria provided, single submitter. Criteria: GeneDx Variant Classification Process June 2021. Collection method: clinical testing. Allele origin: germline. Affected: yes.

Illumina Laboratory Services, Illumina
Classification: Uncertain significance for Microcephaly 2, primary, autosomal recessive, with or without cortical malformations. Last evaluated: 2018-01-13. Review status: criteria provided, single submitter. Criteria: ICSL Variant Classification Criteria 13 December 2019. Collection method: clinical testing. Allele origin: germline.

Genetic Services Laboratory, University of Chicago
Classification: Likely benign. Last evaluated: 2017-03-16. Review status: criteria provided, single submitter. Criteria: ACMG Guidelines, 2015. Collection method: clinical testing. Allele origin: germline. Affected: no.

Eurofins Ntd Llc (ga)
Classification: Benign. Last evaluated: 2016-12-07. Review status: criteria provided, single submitter. Criteria: EGL Classification Definitions 2015. Collection method: clinical testing. Allele origin: germline. Observed: 2 variant alleles, 2 heterozygotes.